The following is an entry in ClinVar:

NM_002227.4(JAK1):c.305C>T (p.Ser102Phe)

Gene: JAK1 (Janus kinase 1; minus strand). Cytogenetic location: 1p31.3.
Variant type: single nucleotide variant.
Coding change: c.305C>T on transcript NM_002227.4 (MANE Select); coding-DNA position 305, C replaced by T.
Protein change: p.Ser102Phe; replaces serine 102 with phenylalanine.
Molecular consequence: missense variant.
Genome position (GRCh38, 1-based): chr1:64,879,049, G>A on the plus strand (C>T on the coding strand, the complement: JAK1 is on the minus strand). VCF-style: chr1-64879049-G-A. GRCh37 (hg19) VCF-style: chr1-65344732-G-A.
Other names: c.305C>T, p.Ser102Phe (NM_001321856.2, NM_001321857.2, NM_001320923.2 and 4 more transcripts); short protein forms S102F.
Identifiers: ClinVar variation 4881717 (VCV004881717.2).

ClinVar aggregate classification (germline): Uncertain significance (1 of 4 stars; one submission).

Conditions:
Autoinflammation, immune dysregulation, and eosinophilia. Also called: ATOPIC DERMATITIS, ENTERITIS, COLITIS, AND EOSINOPHILIA. Identifiers: MedGen C5436572, MONDO:0033558, OMIM 618999.

Submission:

Dasa
Classification: Uncertain significance for Autoinflammation, immune dysregulation, and eosinophilia. Last evaluated: 2025-11-06. Review status: criteria provided, single submitter. Criteria: DASA Assertion Criteria. Collection method: clinical testing. Allele origin: germline.
Comment: NM_002227.4(JAK1):c.305C>T (p.Ser102Phe) is a missense variant that results in the substitution of serine with phenylalanine. This variant is absent from population databases. The currently available literature and clinical evidence are not sufficient to establish a definitive association between this variant and the reported condition. Therefore, this variant is classified as a variant of uncertain significance.